The following is an entry in ClinVar:

NM_007315.4(STAT1):c.511G>A (p.Asp171Asn)

Gene: STAT1 (signal transducer and activator of transcription 1; minus strand). Cytogenetic location: 2q32.2.
Variant type: single nucleotide variant.
Coding change: c.511G>A on transcript NM_007315.4 (MANE Select); coding-DNA position 511, G replaced by A.
Protein change: p.Asp171Asn; replaces aspartic acid 171 with asparagine.
Molecular consequence: missense variant.
Genome position (GRCh38, 1-based): chr2:190,999,656, C>T on the plus strand (G>A on the coding strand, the complement: STAT1 is on the minus strand). VCF-style: chr2-190999656-C-T. GRCh37 (hg19) VCF-style: chr2-191864382-C-T.
Other names: c.511G>A, p.Asp171Asn (NM_001384880.1, NM_001384882.1, NM_001384885.1 and 5 more transcripts); c.517G>A, p.Asp173Asn (NM_001384881.1, NM_001384884.1); c.504G>A, p.Met168Ile (NM_001384883.1); c.421G>A, p.Asp141Asn (NM_001384890.1); c.547G>A, p.Asp183Asn (NM_001384891.1); short protein forms D183N, M168I, D171N, D141N, D173N.
Identifiers: ClinVar variation 1486527 (VCV001486527.7), dbSNP rs2125075054, ClinGen allele CA349924402.

ClinVar aggregate classification (germline): Likely pathogenic. Review status: criteria provided, multiple submitters, no conflicts (2 of 4 stars). 2 submissions from 2 submitters: Likely pathogenic (2). Last evaluated 2026-08-11.

Conditions:
Autoimmune enteropathy and endocrinopathy - susceptibility to chronic infections syndrome. Also called: Immunodeficiency 31C; Immunodeficiency 31C, autosomal dominant. Identifiers: Orphanet 391487, MedGen C3279990, MONDO:0013599, OMIM 614162.
Immunodeficiency 31B. Also called: IMMUNODEFICIENCY 31B, MYCOBACTERIAL AND VIRAL INFECTIONS, AUTOSOMAL RECESSIVE; STAT1 DEFICIENCY, AUTOSOMAL RECESSIVE. Identifiers: Orphanet 391311, MedGen C3151088, MONDO:0013427, OMIM 613796.
Mendelian susceptibility to mycobacterial diseases due to partial STAT1 deficiency. Also called: IMMUNODEFICIENCY 31A, MYCOBACTERIOSIS, AUTOSOMAL DOMINANT; STAT1 DEFICIENCY, AUTOSOMAL DOMINANT; Immunodeficiency 31a. Identifiers: Orphanet 319595, MedGen C4013950, MONDO:0013956, OMIM 614892.

Submissions (2):

Laboratory of Clinical Immunology, Infection and Allergy, Faculty of Medicine and Pharmacy of Casablanca, University of Hassan II Casablanca
Classification: Likely pathogenic for Autoimmune enteropathy and endocrinopathy - susceptibility to chronic infections syndrome. Last evaluated: 2026-08-11. Review status: criteria provided, single submitter. Criteria: ACMG Guidelines, 2015. Collection method: clinical testing. Allele origin: germline. Affected: yes. Observed: 1 variant allele.
Comment: This missense change replaces aspartic acid with asparagine at position 171 of the STAT1 protein, within the coiled-coil domain, a well-established mutational hotspot for gain-of-function variants in this gene (PM1). The variant is absent from population databases, including gnomAD (PM2). It has been reported previously in unrelated individuals with chronic mucocutaneous candidiasis (PMID:33796866; 39175777) (PS4_Moderate). Computational tools predict a damaging effect (CADD 31.0) (PP3). In summary, on the basis of PS4_Moderate, PM1, PM2, PP3 and PP4, this variant is classified as Likely pathogenic.

Labcorp Genetics (formerly Invitae), Labcorp
Classification: Likely pathogenic for Mendelian susceptibility to mycobacterial diseases due to partial STAT1 deficiency; Immunodeficiency 31B; Autoimmune enteropathy and endocrinopathy - susceptibility to chronic infections syndrome. Last evaluated: 2023-07-07. Review status: criteria provided, single submitter. Criteria: Invitae Variant Classification Sherloc (09022015). Collection method: clinical testing. Allele origin: germline.
Comment: This missense change has been observed in individuals with chronic mucocutaneous candidiasis and/or suspected primary immunodeficiency (PMID: 27114460, 31677808, 32888943; Invitae). This variant is not present in population databases (gnomAD no frequency). This sequence change replaces aspartic acid, which is acidic and polar, with asparagine, which is neutral and polar, at codon 171 of the STAT1 protein (p.Asp171Asn). In summary, the currently available evidence indicates that the variant is pathogenic, but additional data are needed to prove that conclusively. Therefore, this variant has been classified as Likely Pathogenic. Experimental studies have shown that this missense change affects STAT1 function (PMID: 27114460). An algorithm developed to predict the effect of missense changes on protein structure and function (PolyPhen-2) suggests that this variant is likely to be disruptive. ClinVar contains an entry for this variant (Variation ID: 1486527).

Literature cited by the submitters: PubMed 33796866 (cited by Laboratory of Clinical Immunology, Infection and Allergy, Faculty of Medicine and Pharmacy of Casablanca, University of Hassan II Casablanca); PubMed 39175777 (cited by Laboratory of Clinical Immunology, Infection and Allergy, Faculty of Medicine and Pharmacy of Casablanca, University of Hassan II Casablanca); PubMed 27114460 (cited by Labcorp Genetics (formerly Invitae), Labcorp); PubMed 31677808 (cited by Labcorp Genetics (formerly Invitae), Labcorp); PubMed 32888943 (cited by Labcorp Genetics (formerly Invitae), Labcorp).